The following is an entry in ClinVar:

NM_001844.5(COL2A1):c.640C>T (p.Pro214Ser)

Gene: COL2A1 (collagen type II alpha 1 chain; minus strand). Cytogenetic location: 12q13.11.
Variant type: single nucleotide variant.
Coding change: c.640C>T on transcript NM_001844.5 (MANE Select); coding-DNA position 640, C replaced by T.
Protein change: p.Pro214Ser; replaces proline 214 with serine.
Molecular consequence: missense variant.
Genome position (GRCh38, 1-based): chr12:47,995,889, G>A on the plus strand (C>T on the coding strand, the complement: COL2A1 is on the minus strand). VCF-style: chr12-47995889-G-A. GRCh37 (hg19) VCF-style: chr12-48389672-G-A.
Other names: c.433C>T, p.Pro145Ser (NM_033150.3); short protein forms P214S, P145S.
Identifiers: ClinVar variation 3717903 (VCV003717903.2).

ClinVar aggregate classification (germline): Uncertain significance (1 of 4 stars; one submission).

Submission:

Labcorp Genetics (formerly Invitae), Labcorp
Classification: Uncertain significance. Last evaluated: 2024-09-18. Review status: criteria provided, single submitter. Criteria: Invitae Variant Classification Sherloc (09022015). Collection method: clinical testing. Allele origin: germline.
Comment: This sequence change replaces proline, which is neutral and non-polar, with serine, which is neutral and polar, at codon 214 of the COL2A1 protein (p.Pro214Ser). This variant is not present in population databases (gnomAD no frequency). This variant has not been reported in the literature in individuals affected with COL2A1-related conditions. Invitae Evidence Modeling of protein sequence and biophysical properties (such as structural, functional, and spatial information, amino acid conservation, physicochemical variation, residue mobility, and thermodynamic stability) indicates that this missense variant is not expected to disrupt COL2A1 protein function with a negative predictive value of 95%. In summary, the available evidence is currently insufficient to determine the role of this variant in disease. Therefore, it has been classified as a Variant of Uncertain Significance.